The following is an entry in ClinVar:

NM_022041.4(GAN):c.200A>G (p.Asp67Gly)

Gene: GAN (gigaxonin; plus strand). Cytogenetic location: 16q23.2.
Variant type: single nucleotide variant.
Coding change: c.200A>G on transcript NM_022041.4 (MANE Select); coding-DNA position 200, A replaced by G.
Protein change: p.Asp67Gly; replaces aspartic acid 67 with glycine.
Molecular consequence: missense variant. On other transcripts: intron variant (1).
Genome position (GRCh38, 1-based): chr16:81,351,615, A>G. VCF-style: chr16-81351615-A-G. GRCh37 (hg19) VCF-style: chr16-81385220-A-G.
Other names: c.-357-2790A>G (NM_001377486.1); short protein forms D67G.
Identifiers: ClinVar variation 1471279 (VCV001471279.8), dbSNP rs2150683815, ClinGen allele CA396865421.

ClinVar aggregate classification (germline): Uncertain significance (1 of 4 stars; one submission).

Conditions:
Giant axonal neuropathy 1 (GAN1). Also called: GIANT AXONAL NEUROPATHY 1, AUTOSOMAL RECESSIVE; GAN-Related Neurodegeneration. Identifiers: Orphanet 643, MedGen C1850386, MONDO:0009749, OMIM 256850.

Submission:

Labcorp Genetics (formerly Invitae), Labcorp
Classification: Uncertain significance for Giant axonal neuropathy 1. Last evaluated: 2022-03-23. Review status: criteria provided, single submitter. Criteria: Invitae Variant Classification Sherloc (09022015). Collection method: clinical testing. Allele origin: germline.
Comment: This variant has not been reported in the literature in individuals affected with GAN-related conditions. This variant is not present in population databases (gnomAD no frequency). This sequence change replaces aspartic acid, which is acidic and polar, with glycine, which is neutral and non-polar, at codon 67 of the GAN protein (p.Asp67Gly). In summary, the available evidence is currently insufficient to determine the role of this variant in disease. Therefore, it has been classified as a Variant of Uncertain Significance. Algorithms developed to predict the effect of missense changes on protein structure and function are either unavailable or do not agree on the potential impact of this missense change (SIFT: "Tolerated"; PolyPhen-2: "Possibly Damaging"; Align-GVGD: "Class C0").